The following is an entry in ClinVar:

ClinVar aggregate classification (germline): Uncertain significance (1 of 4 stars; one submission).

Submission:

Labcorp Genetics (formerly Invitae), Labcorp
Classification: Uncertain significance. Last evaluated: 2025-07-21. Review status: criteria provided, single submitter. Criteria: Invitae Variant Classification Sherloc (09022015). Collection method: clinical testing. Allele origin: germline.
Comment: This sequence change replaces glutamic acid, which is acidic and polar, with lysine, which is basic and polar, at codon 114 of the C17orf62 protein (p.Glu114Lys). This variant is not present in population databases (gnomAD no frequency). This variant has not been reported in the literature in individuals affected with C17orf62-related conditions. ClinVar contains an entry for this variant (Variation ID: 1682709). An algorithm developed to predict the effect of missense changes on protein structure and function (PolyPhen-2) suggests that this variant is likely to be disruptive. In summary, the available evidence is currently insufficient to determine the role of this variant in disease. Therefore, it has been classified as a Variant of Uncertain Significance.

NM_001033046.4(CYBC1):c.340G>A (p.Glu114Lys)

Gene: CYBC1 (cytochrome b-245 chaperone 1; minus strand). Cytogenetic location: 17q25.3.
Variant type: single nucleotide variant.
Coding change: c.340G>A on transcript NM_001033046.4 (MANE Select); coding-DNA position 340, G replaced by A.
Protein change: p.Glu114Lys; replaces glutamic acid 114 with lysine.
Molecular consequence: missense variant. On other transcripts: non-coding transcript variant (4).
Genome position (GRCh38, 1-based): chr17:82,444,550, C>T on the plus strand (G>A on the coding strand, the complement: CYBC1 is on the minus strand). VCF-style: chr17-82444550-C-T. GRCh37 (hg19) VCF-style: chr17-80402426-C-T.
Other names: c.340G>A, p.Glu114Lys (NM_001100407.3, NM_001193653.2, NM_001193654.2 and 2 more transcripts); c.298G>A, p.Glu100Lys (NM_001100408.3); short protein forms E100K, E114K.
Identifiers: ClinVar variation 1682709 (VCV001682709.8), dbSNP rs2143694873, ClinGen allele CA401608437.